The following is an entry in ClinVar:

NM_007194.4(CHEK2):c.593-17A>T

Gene: CHEK2 (checkpoint kinase 2; minus strand). Cytogenetic location: 22q12.1.
Variant type: single nucleotide variant.
Coding change: c.593-17A>T on transcript NM_007194.4 (MANE Select); 17 bases into the intron before coding-DNA position 593, A replaced by T.
Molecular consequence: intron variant.
Genome position (GRCh38, 1-based): chr22:28,719,502, T>A on the plus strand (A>T on the coding strand, the complement: CHEK2 is on the minus strand). VCF-style: chr22-28719502-T-A. GRCh37 (hg19) VCF-style: chr22-29115490-T-A.
Other names: c.-71-17A>T (NM_001437942.1, NM_001257387.3); c.482+5384A>T (NM_001349956.3); c.593-17A>T (NM_145862.3); c.686-17A>T (NM_001438295.1, NM_001438293.1); c.722-17A>T (NM_001438294.1, NM_001005735.3).
Identifiers: ClinVar variation 3678050 (VCV003678050.3).

ClinVar aggregate classification (germline): Likely benign. Review status: criteria provided, multiple submitters, no conflicts (2 of 4 stars). 2 submissions from 2 submitters: Likely benign (2). Last evaluated 2024-10-03.

Conditions:
Familial cancer of breast. Also called: Hereditary breast cancer; hereditary breast carcinoma; BREAST CANCER, FAMILIAL. Identifiers: Orphanet 227535, MedGen C0346153, MONDO:0016419, OMIM 114480. Disease mechanism: loss of function.

gnomAD v4.1: 1 of 1,429,826 alleles (0.00007%); highest among the groups gnomAD compares: African/African-American, 0.0014%; no homozygotes.

Submissions (2):

Myriad Genetics, Inc.
Classification: Likely benign for Familial cancer of breast. Last evaluated: 2024-10-03. Review status: criteria provided, single submitter. Criteria: Myriad Autosomal Dominant, Autosomal Recessive and X-Linked Classification Criteria (2023). Collection method: clinical testing. Allele origin: unknown.
Comment: This variant is considered likely benign. This variant is intronic and is not expected to impact mRNA splicing.

Labcorp Genetics (formerly Invitae), Labcorp
Classification: Likely benign for Familial cancer of breast. Last evaluated: 2024-02-02. Review status: criteria provided, single submitter. Criteria: Invitae Variant Classification Sherloc (09022015). Collection method: clinical testing. Allele origin: germline.